The following is an entry in ClinVar:

ClinVar aggregate classification (germline): Uncertain significance. Review status: criteria provided, multiple submitters, no conflicts (2 of 4 stars). 2 submissions from 2 submitters: Uncertain significance (2). Last evaluated 2024-04-12.

Conditions:
Asphyxiating thoracic dystrophy 3. Also called: SHORT-RIB THORACIC DYSPLASIA 3 WITH OR WITHOUT POLYDACTYLY; POLYDACTYLY WITH NEONATAL CHONDRODYSTROPHY, TYPE I; SHORT-RIB THORACIC DYSPLASIA 3/6 WITH POLYDACTYLY, DIGENIC; Short rib polydactyly syndrome 2B; Saldino-Noonan Syndrome. Identifiers: Orphanet 474, Orphanet 93269, Orphanet 93270, Orphanet 93271, MedGen C0036069, MONDO:0013127, OMIM 613091.
Inborn genetic diseases. Identifiers: MedGen C0950123, MeSH D030342.

Allele frequency attached by ClinVar (database versions not stated): gnomAD exomes below 0.00001; TOPMed 0.00001.
gnomAD v4.1: 1 of 1,604,976 alleles (0.000062%); highest among the groups gnomAD compares: East Asian, 0.0022%; no homozygotes.

Submissions (2):

ARUP Laboratories, Molecular Genetics and Genomics, ARUP Laboratories
Classification: Uncertain significance for Asphyxiating thoracic dystrophy 3. Last evaluated: 2024-04-12. Review status: criteria provided, single submitter. Criteria: ARUP Molecular Germline Variant Investigation Process 2024. Collection method: clinical testing. Allele origin: germline.
Comment: The DYNC2H1 c.1927G>T; p.Ala643Ser variant (rs892042677), to our knowledge, is not reported in the medical literature but is reported in ClinVar (Variation ID: 2223831). This variant is only observed on one allele in the Genome Aggregation Database (v2.1.1), indicating it is not a common polymorphism. Computational analyses are uncertain whether this variant is neutral or deleterious (REVEL: 0.284). Due to limited information, the clinical significance of this variant is uncertain at this time.

Ambry Genetics
Classification: Uncertain significance for Inborn genetic diseases. Last evaluated: 2022-06-30. Review status: criteria provided, single submitter. Criteria: Ambry Variant Classification Scheme 2023. Collection method: clinical testing. Allele origin: germline.

NM_001377.3(DYNC2H1):c.1927G>T (p.Ala643Ser)

Gene: DYNC2H1 (dynein cytoplasmic 2 heavy chain 1; plus strand). Cytogenetic location: 11q22.3.
Variant type: single nucleotide variant.
Coding change: c.1927G>T on transcript NM_001377.3 (MANE Select); coding-DNA position 1927, G replaced by T.
Protein change: p.Ala643Ser; replaces alanine 643 with serine.
Molecular consequence: missense variant.
Genome position (GRCh38, 1-based): chr11:103,128,979, G>T. VCF-style: chr11-103128979-G-T. GRCh37 (hg19) VCF-style: chr11-102999708-G-T.
Other names: c.1927G>T, p.Ala643Ser (NM_001080463.2); short protein forms A643S.
Identifiers: ClinVar variation 2223831 (VCV002223831.3), dbSNP rs892042677, ClinGen allele CA227406259.
Genomic context (GRCh38, chr11:103,128,979, plus strand): 5'-TTTTATAATTCTATTGATCAACAAATGATTCAAAGTCAGAGGCCAATGATGTTACAATCT[G>T]CCTTAGCATTTGAACAGATAATTAAGGTAAATGGGCTTTTAATTTTATTATAATTAGATT-3'
Protein context (NP_001368.2, residues 633-653): QSQRPMMLQS[Ala643Ser]LAFEQIIKNS